The following is an entry in ClinVar:

NM_001127511.3(APC):c.130G>T (p.Ala44Ser)

Gene: APC (APC regulator of Wnt signaling pathway; plus strand). Cytogenetic location: 5q22.2.
Variant type: single nucleotide variant.
Coding change: c.130G>T on transcript NM_001127511.3; coding-DNA position 130, G replaced by T.
Protein change: p.Ala44Ser; replaces alanine 44 with serine.
Molecular consequence: missense variant. On other transcripts: 5 prime UTR variant (8), non-coding transcript variant (1), intron variant (5).
Genome position (GRCh38, 1-based): chr5:112,707,847, G>T. VCF-style: chr5-112707847-G-T. GRCh37 (hg19) VCF-style: chr5-112043544-G-T.
Other names: c.-54G>T (NM_001354895.2, NM_001407447.1, NM_001407452.1 and 3 more transcripts); c.130G>T, p.Ala44Ser (NM_001354897.2, NM_001354902.2, NM_001407446.1); c.-1089G>T (NM_001407470.1, NM_001407472.1); c.-19+198G>T (NM_001407448.1, NM_001407450.1, NM_001407457.1 and 1 more transcripts); c.-43+198G>T (NM_001407453.1); short protein forms A44S.
Identifiers: ClinVar variation 3655974 (VCV003655974.2).

ClinVar aggregate classification (germline): Uncertain significance (1 of 4 stars; one submission).

Conditions:
Familial adenomatous polyposis 1 (FAP1). Also called: FAMILIAL ADENOMATOUS POLYPOSIS 1, ATTENUATED; POLYPOSIS, ADENOMATOUS INTESTINAL. Identifiers: MedGen C2713442, MONDO:0021056, OMIM 175100. Disease mechanism: loss of function.

Submission:

Labcorp Genetics (formerly Invitae), Labcorp
Classification: Uncertain significance for Familial adenomatous polyposis 1. Last evaluated: 2024-06-12. Review status: criteria provided, single submitter. Criteria: Invitae Variant Classification Sherloc (09022015). Collection method: clinical testing. Allele origin: germline.
Comment: This variant occurs in a non-coding region of the APC gene. It does not change the encoded amino acid sequence of the APC protein. This variant is not present in population databases (gnomAD no frequency). This variant has not been reported in the literature in individuals affected with APC-related conditions. Experimental studies and prediction algorithms are not available or were not evaluated, and the functional significance of this variant is currently unknown. In summary, the available evidence is currently insufficient to determine the role of this variant in disease. Therefore, it has been classified as a Variant of Uncertain Significance.